The following is an entry in ClinVar:

ClinVar aggregate classification (germline): Uncertain significance. Review status: criteria provided, multiple submitters, no conflicts (2 of 4 stars). 2 submissions from 2 submitters: Uncertain significance (2). Last evaluated 2025-04-26.

Conditions:
Hereditary cancer-predisposing syndrome. Also called: Neoplastic Syndromes, Hereditary; Hereditary Cancer Syndrome; Hereditary neoplastic syndrome; Tumor predisposition. Identifiers: Orphanet 140162, MedGen C0027672, MeSH D009386, MONDO:0015356.
Cardiovascular phenotype. Identifiers: MedGen CN230736.
Neurofibromatosis, type 1 (NF1). Also called: Neurofibromatosis, type I; Peripheral type neurofibromatosis; VON RECKLINGHAUSEN DISEASE; NEUROFIBROMATOSIS, TYPE I, SOMATIC. Identifiers: Orphanet 636, MedGen C0027831, MONDO:0018975, OMIM 162200. Disease mechanism: loss of function.

Submissions (2):

Labcorp Genetics (formerly Invitae), Labcorp
Classification: Uncertain significance for Neurofibromatosis, type 1. Last evaluated: 2025-04-26. Review status: criteria provided, single submitter. Criteria: Invitae Variant Classification Sherloc (09022015). Collection method: clinical testing. Allele origin: germline.
Comment: This sequence change replaces aspartic acid, which is acidic and polar, with glutamic acid, which is acidic and polar, at codon 170 of the NF1 protein (p.Asp170Glu). This variant is not present in population databases (gnomAD no frequency). This variant has not been reported in the literature in individuals affected with NF1-related conditions. ClinVar contains an entry for this variant (Variation ID: 825454). Invitae Evidence Modeling of protein sequence and biophysical properties (such as structural, functional, and spatial information, amino acid conservation, physicochemical variation, residue mobility, and thermodynamic stability) indicates that this missense variant is not expected to disrupt NF1 protein function with a negative predictive value of 95%. In summary, the available evidence is currently insufficient to determine the role of this variant in disease. Therefore, it has been classified as a Variant of Uncertain Significance.

Ambry Genetics
Classification: Uncertain significance for Cardiovascular phenotype; Hereditary cancer-predisposing syndrome. Last evaluated: 2019-10-21. Review status: criteria provided, single submitter. Criteria: Ambry Variant Classification Scheme 2023. Collection method: clinical testing. Allele origin: germline.
Comment: The p.D170E variant (also known as c.510C>A), located in coding exon 5 of the NF1 gene, results from a C to A substitution at nucleotide position 510. The aspartic acid at codon 170 is replaced by glutamic acid, an amino acid with highly similar properties. This amino acid position is highly conserved in available vertebrate species. In addition, the in silico prediction for this alteration is inconclusive. Since supporting evidence is limited at this time, the clinical significance of this alteration remains unclear.

NM_001042492.3(NF1):c.510C>A (p.Asp170Glu)

Gene: NF1 (neurofibromin 1; plus strand). Cytogenetic location: 17q11.2.
Variant type: single nucleotide variant.
Coding change: c.510C>A on transcript NM_001042492.3 (MANE Select); coding-DNA position 510, C replaced by A.
Protein change: p.Asp170Glu; replaces aspartic acid 170 with glutamic acid.
Molecular consequence: missense variant.
Genome position (GRCh38, 1-based): chr17:31,169,921, C>A. VCF-style: chr17-31169921-C-A. GRCh37 (hg19) VCF-style: chr17-29496939-C-A.
Other names: c.510C>A, p.Asp170Glu (NM_000267.4, NM_001128147.3); short protein forms D170E.
Identifiers: ClinVar variation 825454 (VCV000825454.6), dbSNP rs1597643788, ClinGen allele CA398984936.